The following is an entry in ClinVar:

NM_194248.3(OTOF):c.5524G>A (p.Asp1842Asn)

Gene: OTOF (otoferlin; minus strand). Cytogenetic location: 2p23.3.
Variant type: single nucleotide variant.
Coding change: c.5524G>A on transcript NM_194248.3 (MANE Select); coding-DNA position 5524, G replaced by A.
Protein change: p.Asp1842Asn; replaces aspartic acid 1842 with asparagine.
Molecular consequence: missense variant.
Genome position (GRCh38, 1-based): chr2:26,461,705, C>T on the plus strand (G>A on the coding strand, the complement: OTOF is on the minus strand). VCF-style: chr2-26461705-C-T. GRCh37 (hg19) VCF-style: chr2-26684573-C-T.
Other names: c.5524G>A, p.Asp1842Asn (NM_001287489.2); c.3223G>A, p.Asp1075Asn (NM_004802.4, NM_194323.3); c.3454G>A, p.Asp1152Asn (NM_194322.3); short protein forms D1075N, D1152N, D1842N.
Identifiers: ClinVar variation 3251707 (VCV003251707.2), dbSNP rs1405714912.

ClinVar aggregate classification (germline): Uncertain significance. Review status: criteria provided, single submitter (1 of 4 stars). 2 submissions from 2 submitters: Uncertain significance (1). 1 of the submissions does not count toward it. Last evaluated 2024-04-25.

Conditions:
Autosomal recessive nonsyndromic hearing loss 9. Also called: NEUROSENSORY NONSYNDROMIC RECESSIVE DEAFNESS 9; OTOF-Related Hearing Loss; Deafness, autosomal recessive 9; AUDITORY NEUROPATHY, AUTOSOMAL RECESSIVE, 1, TEMPERATURE-SENSITIVE. Identifiers: Orphanet 90636, MedGen C1832828, MONDO:0010986, OMIM 601071.

Allele frequency attached by ClinVar (database versions not stated): gnomAD exomes 0.00001; TOPMed below 0.00001.
gnomAD v4.1: 7 of 1,613,992 alleles (0.00043%); highest among the groups gnomAD compares: Admixed American, 0.0017%; no homozygotes.

Submissions (2):

Women's Health and Genetics/Laboratory Corporation of America, LabCorp
Classification: Uncertain significance. Last evaluated: 2024-04-25. Review status: criteria provided, single submitter. Criteria: LabCorp Variant Classification Summary - May 2015. Collection method: clinical testing. Allele origin: germline.
Comment: Variant summary: OTOF c.5524G>A (p.Asp1842Asn) results in a conservative amino acid change located in the C2 domain (IPR000008) of the encoded protein sequence. Four of five in-silico tools predict a damaging effect of the variant on protein function. The variant allele was found at a frequency of 4e-06 in 251044 control chromosomes. The available data on variant occurrences in the general population are insufficient to allow any conclusion about variant significance. c.5524G>A has been reported heterozygous in the literature in an individual affected with early-onset Auditory Neuropathy. However, a second variant was not identified (Matsunaga_2012) These report(s) do not provide unequivocal conclusions about association of the variant with Nonsyndromic Hearing Loss And Deafness, Type 9. To our knowledge, no experimental evidence demonstrating an impact on protein function has been reported. The following publication has been ascertained in the context of this evaluation (PMID: 22575033). No submitters have cited clinical-significance assessments for this variant to ClinVar. Based on the evidence outlined above, the variant was classified as uncertain significance.

Diagnosis and Treatment Center of Genetic Hearing Loss, Eye & ENT Hospital of Fudan University
Classification: VUS-high for Autosomal recessive nonsyndromic hearing loss 9. Last evaluated: 2026-02-04. Review status: no assertion criteria provided. Collection method: clinical testing. Allele origin: germline. Inheritance: Autosomal recessive inheritance. Affected: yes. Not counted in ClinVar's aggregate classification.
Comment: The c.5524G>A missense variant in OTOF has been reported in a patient with auditory neuropathy (PM3, PP4; PMID: 22575033). The gnomAD frequency is 0.0000289 (PM2_Supporting). The REVEL score is 0.754 (PP3).

Literature cited by the submitters: PubMed 22575033 (cited by Women's Health and Genetics/Laboratory Corporation of America, LabCorp).